The following is an entry in ClinVar:

ClinVar aggregate classification (germline): Uncertain significance (1 of 4 stars; one submission).

Conditions:
Inborn genetic diseases. Identifiers: MedGen C0950123, MeSH D030342.

gnomAD v4.1: 22 of 1,614,114 alleles (0.0014%); highest among the groups gnomAD compares: East Asian, 0.0067%; no homozygotes.

Submission:

Ambry Genetics
Classification: Uncertain significance for Inborn genetic diseases. Last evaluated: 2025-09-22. Review status: criteria provided, single submitter. Criteria: Ambry Variant Classification Scheme 2023. Collection method: clinical testing. Allele origin: germline.
Comment: The c.1093G>A (p.G365R) alteration is located in exon 9 (coding exon 9) of the CAMTA1 gene. This alteration results from a G to A substitution at nucleotide position 1093, causing the glycine (G) at amino acid position 365 to be replaced by an arginine (R). Based on data from gnomAD, the A allele has an overall frequency of 0.001% (3/251338) total alleles studied. The highest observed frequency was 0.011% (2/18390) of East Asian alleles. Based on insufficient or conflicting evidence, the clinical significance of this alteration remains unclear.

NM_015215.4(CAMTA1):c.1093G>A (p.Gly365Arg)

Gene: CAMTA1 (calmodulin binding transcription activator 1; plus strand). Cytogenetic location: 1p36.23.
Variant type: single nucleotide variant.
Coding change: c.1093G>A on transcript NM_015215.4 (MANE Select); coding-DNA position 1093, G replaced by A.
Protein change: p.Gly365Arg; replaces glycine 365 with arginine.
Molecular consequence: missense variant.
Genome position (GRCh38, 1-based): chr1:7,663,640, G>A. VCF-style: chr1-7663640-G-A. GRCh37 (hg19) VCF-style: chr1-7723700-G-A.
Other names: c.1003G>A, p.Gly335Arg (NM_001349608.2, NM_001349612.2); c.1093G>A, p.Gly365Arg (NM_001349609.2, NM_001349610.2); short protein forms G365R, G335R.
Identifiers: ClinVar variation 4604834 (VCV004604834.1), dbSNP rs267598725.
Genomic context (GRCh38, chr1:7,663,640, plus strand): 5'-TCCACCAACCAGGTGGAAGTCCCCGACACCACCCAGAGCTCCCCTGTGTCCATCAGCAGC[G>A]GGCTCAACAGCGACCCGGACATGGTGGACAGCCCGGTGGTCACAGGTGTGTCCGGTATGG-3'
Protein context (NP_056030.1, residues 355-375): TQSSPVSISS[Gly365Arg]LNSDPDMVDS